The following is an entry in ClinVar:

ClinVar aggregate classification (germline): Uncertain significance (1 of 4 stars; one submission).

Allele frequency attached by ClinVar (database versions not stated): gnomAD exomes below 0.00001; ExAC 0.00001.
gnomAD v4.1: 2 of 1,613,982 alleles (0.00012%); highest among the groups gnomAD compares: East Asian, 0.0022%; no homozygotes.

Submission:

Labcorp Genetics (formerly Invitae), Labcorp
Classification: Uncertain significance. Last evaluated: 2022-08-09. Review status: criteria provided, single submitter. Criteria: Invitae Variant Classification Sherloc (09022015). Collection method: clinical testing. Allele origin: germline.
Comment: ClinVar contains an entry for this variant (Variation ID: 1366213). This missense change has been observed in individual(s) with retinal dystrophy (PMID: 28714225). This variant is present in population databases (rs774357237, gnomAD 0.006%). This sequence change replaces arginine, which is basic and polar, with histidine, which is basic and polar, at codon 948 of the ADGRA3 protein (p.Arg948His). In summary, the available evidence is currently insufficient to determine the role of this variant in disease. Therefore, it has been classified as a Variant of Uncertain Significance. Algorithms developed to predict the effect of missense changes on protein structure and function are either unavailable or do not agree on the potential impact of this missense change (SIFT: "Deleterious"; PolyPhen-2: "Probably Damaging"; Align-GVGD: "Class C0").

Literature cited by the submitters: PubMed 28714225.

NM_145290.4(ADGRA3):c.2843G>A (p.Arg948His)

Gene: ADGRA3 (adhesion G protein-coupled receptor A3; minus strand). Cytogenetic location: 4p15.2.
Variant type: single nucleotide variant.
Coding change: c.2843G>A on transcript NM_145290.4 (MANE Select); coding-DNA position 2843, G replaced by A.
Protein change: p.Arg948His; replaces arginine 948 with histidine.
Molecular consequence: missense variant.
Genome position (GRCh38, 1-based): chr4:22,388,828, C>T on the plus strand (G>A on the coding strand, the complement: ADGRA3 is on the minus strand). VCF-style: chr4-22388828-C-T. GRCh37 (hg19) VCF-style: chr4-22390451-C-T.
Other names: short protein forms R948H.
Identifiers: ClinVar variation 1366213 (VCV001366213.6), dbSNP rs774357237, ClinGen allele CA2873493.
Genomic context (GRCh38, chr4:22,388,828, plus strand): 5'-CCATTTTCATTGGCTGCCAATCTCTGTTGCTCCTCCGTGGGCTCCTTAAGCTCATATTTG[C>T]GCTCAGGGTGTCTTTTCAACTGAATAAATATGCTCAGAAAGTACATGCAGTTTACAAAAG-3'
Protein context (NP_660333.2, residues 938-958): IFIQLKRHPE[Arg948His]KYELKEPTEE